The following is an entry in ClinVar:

ClinVar aggregate classification (germline): Benign. Review status: criteria provided, multiple submitters, no conflicts (2 of 4 stars). 6 submissions from 6 submitters: Benign (6). Last evaluated 2025-11-08.

Conditions:
SLC1A1-related disorder. Also called: SLC1A1-related condition.
Dicarboxylic aminoaciduria (DCBXA). Also called: GLUTAMATE-ASPARTATE TRANSPORT DEFECT. Identifiers: Orphanet 2195, MedGen C1857253, MONDO:0009110, OMIM 222730.

Allele frequency attached by ClinVar (database versions not stated): 1000 Genomes Project 30x 0.32667; 1000 Genomes Project 0.32827; gnomAD 0.34921 and 0.35336; TOPMed 0.35292; ESP Exome Variant Server 0.35637; gnomAD exomes 0.39170 and 0.40692; ExAC 0.39707.
gnomAD v4.1: 647,518 of 1,610,108 alleles (40%); highest among the groups gnomAD compares: Middle Eastern, 52%; 133,243 homozygotes.

Submissions (6):

PreventionGenetics, part of Exact Sciences
Classification: Benign for SLC1A1-related condition. Last evaluated: 2025-11-08. Review status: criteria provided, single submitter. Criteria: ACMG Guidelines, 2015. Collection method: clinical testing. Allele origin: germline.
Comment: This variant is classified as benign based on ACMG/AMP sequence variant interpretation guidelines (Richards et al. 2015 PMID: 25741868, with internal and published modifications).

Genome-Nilou Lab
Classification: Benign for Dicarboxylic aminoaciduria. Last evaluated: 2021-07-15. Review status: criteria provided, single submitter. Criteria: ACMG Guidelines, 2015. Collection method: clinical testing. Allele origin: germline. Affected: no.

Mayo Clinic Laboratories, Mayo Clinic
Classification: Benign. Last evaluated: 2021-04-07. Review status: criteria provided, single submitter. Criteria: ACMG Guidelines, 2015. Collection method: clinical testing. Allele origin: germline. Observed: 1 variant allele.

GeneDx
Classification: Benign. Last evaluated: 2018-09-18. Review status: criteria provided, single submitter. Criteria: GeneDx Variant Classification Process June 2021. Collection method: clinical testing. Allele origin: germline. Affected: yes.

Illumina Laboratory Services, Illumina
Classification: Benign for Dicarboxylic aminoaciduria. Last evaluated: 2018-01-13. Review status: criteria provided, single submitter. Criteria: ICSL Variant Classification Criteria 13 December 2019. Collection method: clinical testing. Allele origin: germline.
Comment: This variant was observed in the ICSL laboratory as part of a predisposition screen in an ostensibly healthy population. It had not been previously curated by ICSL or reported in the Human Gene Mutation Database (HGMD: prior to June 1st, 2018), and was therefore a candidate for classification through an automated scoring system. Utilizing variant allele frequency, disease prevalence and penetrance estimates, and inheritance mode, an automated score was calculated to assess if this variant is too frequent to cause the disease. Based on the score and internal cut-off values, a variant classified as benign is not then subjected to further curation. The score for this variant resulted in a classification of benign for this disease.

Breakthrough Genomics
Classification: Benign. Review status: criteria provided, single submitter. Criteria: ACMG Guidelines, 2015. Collection method: not provided. Allele origin: germline. Inheritance: Autosomal recessive inheritance. Affected: yes.

NM_004170.6(SLC1A1):c.414G>A (p.Thr138=)

Gene: SLC1A1 (solute carrier family 1 member 1; plus strand). Cytogenetic location: 9p24.2.
Variant type: single nucleotide variant.
Coding change: c.414G>A on transcript NM_004170.6 (MANE Select); coding-DNA position 414, G replaced by A.
Protein change: p.Thr138=; no amino-acid change (threonine 138 retained).
Molecular consequence: synonymous variant.
Genome position (GRCh38, 1-based): chr9:4,564,432, G>A. VCF-style: chr9-4564432-G-A. GRCh37 (hg19) VCF-style: chr9-4564432-G-A.
Other names: p.Thr138=.
Identifiers: ClinVar variation 367042 (VCV000367042.13), dbSNP rs2228622, ClinGen allele CA4968968.